The following is an entry in ClinVar:

NM_001035.3(RYR2):c.2816C>A (p.Thr939Asn)

Gene: RYR2 (ryanodine receptor 2; plus strand). Cytogenetic location: 1q43.
Variant type: single nucleotide variant.
Coding change: c.2816C>A on transcript NM_001035.3 (MANE Select); coding-DNA position 2816, C replaced by A.
Protein change: p.Thr939Asn; replaces threonine 939 with asparagine.
Molecular consequence: missense variant.
Genome position (GRCh38, 1-based): chr1:237,511,785, C>A. VCF-style: chr1-237511785-C-A. GRCh37 (hg19) VCF-style: chr1-237675085-C-A.
Other names: short protein forms T939N.
Identifiers: ClinVar variation 4758853 (VCV004758853.2).

ClinVar aggregate classification (germline): Uncertain significance. Review status: criteria provided, multiple submitters, no conflicts (2 of 4 stars). 2 submissions from 2 submitters: Uncertain significance (2). Last evaluated 2025-05-30.

Conditions:
Cardiomyopathy (CMYO). Also called: Cardiomyopathies. Identifiers: Orphanet 167848, MedGen C0878544, MONDO:0004994, HP:0001638. Inheritance: Various modes of inheritance.

gnomAD v4.1: 6 of 1,465,988 alleles (0.00041%); no homozygotes.

Submissions (2):

Color Diagnostics, LLC DBA Color Health
Classification: Uncertain significance for Cardiomyopathy. Last evaluated: 2025-05-30. Review status: criteria provided, single submitter. Criteria: ACMG Guidelines, 2015. Collection method: clinical testing. Allele origin: germline.
Comment: This missense variant replaces threonine with asparagine at codon 939 of the RYR2 protein. Computational prediction tool is inconclusive regarding the impact of this variant on protein structure and function. To our knowledge, functional studies have not been reported for this variant. This variant has not been reported in individuals affected with RYR2-related disorders in the literature. This variant has been identified in 3/163806 chromosomes in the general population by the Genome Aggregation Database (gnomAD). The available evidence is insufficient to determine the role of this variant in disease conclusively. Therefore, this variant is classified as a Variant of Uncertain Significance.

Blueprint Genetics
Classification: Uncertain significance. Last evaluated: 2020-04-08. Review status: criteria provided, single submitter. Criteria: ACMG Guidelines, 2015. Collection method: clinical testing. Allele origin: germline.